The following continues an entry in ClinVar:

NM_000492.4(CFTR):c.3484C>T (p.Arg1162Ter)

ClinVar aggregate classification (germline): Pathogenic. Pathogenic (1).

Submissions 14 to 31 of 31:

Ambry Genetics
Classification: Pathogenic for Cystic fibrosis. Last evaluated: 2023-12-04. Review status: criteria provided, single submitter. Criteria: Ambry Variant Classification Scheme 2023. Collection method: clinical testing. Allele origin: germline. Not counted in ClinVar's aggregate classification.
Comment: The p.R1162* pathogenic mutation (also known as c.3484C>T), located in coding exon 22 of the CFTR gene, results from a C to T substitution at nucleotide position 3484. This changes the amino acid from an arginine to a stop codon within coding exon 22. This mutation has been reported in the homozygous state in nine individuals with pancreatic insufficiency and mild to moderate pulmonary symptoms (Gasparini P et al. J. Med. Genet., 1992 Aug;29:558-62). This pathogenic mutation is associated with elevated sweat chloride levels, pancreatic insufficiency, and decreased lung function (Sosnay PR et al. Nat. Genet., 2013 Oct;45:1160-7; Shahin WA et al. Springerplus, 2016 May;5:686). In addition to the clinical data presented in the literature, this alteration is expected to result in loss of function by premature protein truncation or nonsense-mediated mRNA decay. As such, this alteration is interpreted as a disease-causing mutation.

Neuberg Centre For Genomic Medicine, NCGM
Classification: Pathogenic for Congenital bilateral aplasia of vas deferens from CFTR mutation. Last evaluated: 2023-05-20. Review status: criteria provided, single submitter. Criteria: ACMG Guidelines, 2015. Collection method: clinical testing. Allele origin: germline. Inheritance: Autosomal recessive inheritance. Affected: yes. Not counted in ClinVar's aggregate classification.
Comment: The observed stop gain c.3484C>T(p.Arg1162Ter) variant has been reported in heterozygous state in individuals affected with CFTR related disease (Sosnay PR, et. al., 2013; Sorio C, et. al., 2011; Jézéquel P, et. al., 2000). Experimental studies show that lack of full length CFTR protein and improper localization of the truncated form at the plasma membrane in cells result in an absent or disrupted protein product (Sorio C, et. al., 2011). This variant is present with an allele frequency of 0.006% in gnomAD Exomes database. This variant has been submitted to the ClinVar database as Pathogenic (multiple submissions). Computational evidence (MutationTaster - disease causing) predict a damaging effect on protein structure and function for this variant. The nucleotide change c.3484C>T in CFTR is predicted as conserved by GERP++ and PhyloP across 100 vertebrates. This sequence change creates a premature translational stop signal (p.Arg1162Ter). Loss of function variants have been previously reported to be disease causing (Yang Y, et. al., 1993). For these reasons, this variant has been classified as Pathogenic. In absence of another reportable variant in CFTR gene, the molecular diagnosis is not confirmed.

Mayo Clinic Laboratories, Mayo Clinic
Classification: Pathogenic. Last evaluated: 2022-05-13. Review status: criteria provided, single submitter. Criteria: ACMG Guidelines, 2015. Collection method: clinical testing. Allele origin: germline. Observed: 8 variant alleles. Not counted in ClinVar's aggregate classification.

Dasa
Classification: Pathogenic for Cystic fibrosis. Last evaluated: 2022-01-05. Review status: criteria provided, single submitter. Criteria: ACMG Guidelines, 2015. Collection method: clinical testing. Allele origin: germline. Affected: yes. Observed: 1 variant allele. Not counted in ClinVar's aggregate classification.
Comment: The c.3484C>T;p.(Arg1162*) variant creates a premature translational stop signal in the CFTR gene. It is expected to result in an absent or disrupted protein product -PVS1. This sequence change has been observed in affected individual(s) and ClinVar contains an entry for this variant(ClinVar ID: 7137; PMID: 20301428; 21416780; 15994263; 11101688; 20301428; 21811577; 7526685) - PS4. The variant is present at low allele frequencies population databases (rs74767530 – gnomAD 0.004604%; ABraOM 0.000427 frequency) - PM2_supporting. The p.(Arg1162*) was detected in trans with a pathogenic variant(PMID: 21811577) - PM3. In summary, the currently available evidence indicates that the variant is pathogenic.

Genetics and Genomic Medicine Centre, NeuroGen Healthcare, NeuroGen Healthcare
Classification: Pathogenic for Cystic fibrosis. Last evaluated: 2021-09-18. Review status: criteria provided, single submitter. Criteria: Submitter's publication. Collection method: clinical testing. Allele origin: unknown. Affected: no. Not counted in ClinVar's aggregate classification.

Myriad Genetics, Inc.
Classification: Pathogenic for Cystic fibrosis. Last evaluated: 2019-11-12. Review status: criteria provided, single submitter. Criteria: Myriad Women's Health Autosomal Recessive and X-Linked Classification Criteria (2019). Collection method: clinical testing. Allele origin: unknown. Not counted in ClinVar's aggregate classification.
Comment: NM_000492.3(CFTR):c.3484C>T(R1162*) is classified as pathogenic in the context of cystic fibrosis and is associated with the classic form of this disease. Sources cited for classification include the following: PMID 23974870. Classification of NM_000492.3(CFTR):c.3484C>T(R1162*) is based on the following criteria: The variant causes a premature termination codon that is expected to be targeted by nonsense-mediated mRNA decay and is reported in individuals with the relevant phenotype. Please note: this variant was assessed in the context of healthy population screening.

Mendelics
Classification: Pathogenic for Cystic fibrosis. Last evaluated: 2018-11-05. Review status: criteria provided, single submitter. Criteria: Mendelics Assertion Criteria 2017. Collection method: clinical testing. Allele origin: unknown. Affected: yes. Not counted in ClinVar's aggregate classification.

Clinical Genetics and Genomics, Karolinska University Hospital
Classification: Pathogenic. Last evaluated: 2018-08-28. Review status: criteria provided, single submitter. Criteria: ACMG Guidelines, 2015. Collection method: clinical testing. Allele origin: germline. Affected: yes. Observed: 2 variant alleles. Not counted in ClinVar's aggregate classification.

Women's Health and Genetics/Laboratory Corporation of America, LabCorp
Classification: Pathogenic. Last evaluated: 2018-03-14. Review status: criteria provided, single submitter. Criteria: LabCorp Variant Classification Summary - May 2015. Collection method: clinical testing. Allele origin: germline. Not counted in ClinVar's aggregate classification.
Comment: Variant summary: CFTR c.3484C>T (p.Arg1162X) results in a premature termination codon, predicted to cause a truncation of the encoded protein or absence of the protein due to nonsense mediated decay, which are commonly known mechanisms for disease. The variant allele was found at a frequency of 5.4e-05 in 276330 control chromosomes. The c.3484C>T variant has been reported in the literature in numerous individuals affected with Cystic Fibrosis and is considered a common pathogenic mutation (see e.g. Sosnay 2013, Gasparini 1991). These data indicate that the variant is very likely to be associated with disease. At least one publication reports experimental evidence, which showed the lack of full length CFTR protein and improper localization of the truncated form at the plasma membrane in cells from a homozygous patient (Sorio 2011). Three clinical diagnostic laboratories have submitted clinical-significance assessments for this variant to ClinVar after 2014 without evidence for independent evaluation, and all laboratories classified the variant as pathogenic. Based on the evidence outlined above, the variant was classified as pathogenic.

CFTR-France
Classification: Pathogenic for cystic fibrosis. Last evaluated: 2018-01-29. Review status: criteria provided, single submitter. Criteria: Claustres M et al. (Hum Mutat 2017). Collection method: curation. Allele origin: germline. Affected: yes. Not counted in ClinVar's aggregate classification.

Quest Diagnostics Nichols Institute San Juan Capistrano
Classification: Pathogenic. Last evaluated: 2017-01-05. Review status: criteria provided, single submitter. Criteria: Quest Diagnostics criteria. Collection method: clinical testing. Allele origin: germline. Not counted in ClinVar's aggregate classification.

Baylor Genetics
Classification: Pathogenic for Congenital bilateral aplasia of vas deferens from CFTR mutation; Cystic fibrosis. Review status: criteria provided, single submitter. Criteria: ACMG Guidelines, 2015. Collection method: clinical testing. Allele origin: germline. Not counted in ClinVar's aggregate classification.

Neuberg Centre For Genomic Medicine, NCGM
Classification: Pathogenic for Cystic fibrosis. Review status: criteria provided, single submitter. Criteria: ACMG Guidelines, 2015. Collection method: clinical testing. Allele origin: germline. Inheritance: Autosomal recessive inheritance. Affected: yes. Not counted in ClinVar's aggregate classification.
Comment: The observed stop gained c.3484C>T(p.Arg1162Ter) variant has been reported previously in multiple individuals affected with cystic fibrosis (Shahin et al., 2016; Sosnay et al., 2013; Sorio et al., 2011; Jézéquel et al., 2000). Experimental studies show that lack of full length CFTR protein and improper localization of the truncated form at the plasma membrane in cells result in an absent or disrupted protein product (Sorio et al., 2011). This variant is present with an allele frequency of 0.006% in gnomAD Exomes database. This variant has been submitted to the ClinVar database as Pathogenic (multiple submissions). Computational evidence (MutationTaster - disease causing) predict a damaging effect on protein structure and function for this variant. The reference amino acid of p.Arg1162Ter in CFTR is predicted as conserved by GERP++ and PhyloP across 100 vertebrates. This sequence change creates a premature translational stop signal (p.Arg1162Ter). Loss of function variants in CFTR gene have been previously reported to be disease causing (Yang et al., 1993). For these reasons, this variant has been classified as Pathogenic.

OMIM
Classification: Pathogenic for CYSTIC FIBROSIS. Last evaluated: 1992-08-01. Review status: no assertion criteria provided. Collection method: literature only. Allele origin: germline. Not counted in ClinVar's aggregate classification.

Clinical Genetics DNA and cytogenetics Diagnostics Lab, Erasmus MC, Erasmus Medical Center
Classification: Pathogenic. Review status: no assertion criteria provided. Collection method: clinical testing. Allele origin: germline. Affected: yes. Study: VKGL Data-share Consensus. Not counted in ClinVar's aggregate classification.

Diagnostic Laboratory, Department of Genetics, University Medical Center Groningen
Classification: Pathogenic. Review status: no assertion criteria provided. Collection method: clinical testing. Allele origin: germline. Affected: yes. Study: VKGL Data-share Consensus. Not counted in ClinVar's aggregate classification.

GeneReviews
No classification provided. Condition: Cystic fibrosis. Review status: no classification provided. Collection method: literature only. Allele origin: unknown. Not counted in ClinVar's aggregate classification.

Joint Genome Diagnostic Labs from Nijmegen and Maastricht, Radboudumc and MUMC+
Classification: Pathogenic. Review status: no assertion criteria provided. Collection method: clinical testing. Allele origin: germline. Affected: yes. Study: VKGL Data-share Consensus. Not counted in ClinVar's aggregate classification.

Literature cited by the submitters: PMC 3110945 (cited by American College of Medical Genetics and Genomics  (ACMG)); PubMed 25910067 (cited by Natera, Inc.); PubMed 1695717 (cited by Labcorp Genetics (formerly Invitae), Labcorp); PubMed 7691345 (cited by Labcorp Genetics (formerly Invitae), Labcorp); PubMed 9725922 (cited by Labcorp Genetics (formerly Invitae), Labcorp); PubMed 15371902 (cited by Labcorp Genetics (formerly Invitae), Labcorp and GeneReviews); PubMed 23974870 (cited by 5 submitters); PubMed 2045102 (cited by 4 submitters); PubMed 1381442 (cited by Ambry Genetics and OMIM); PubMed 27347467 (cited by Ambry Genetics); PubMed 20301428 (cited by Dasa and GeneReviews); PubMed 21416780 (cited by Dasa); PubMed 15994263 (cited by Dasa); PubMed 11101688 (cited by Dasa); PubMed 21811577 (cited by Dasa and Women's Health and Genetics/Laboratory Corporation of America, LabCorp); PubMed 7526685 (cited by Dasa and Quest Diagnostics Nichols Institute San Juan Capistrano); PubMed 22975760 (cited by Quest Diagnostics Nichols Institute San Juan Capistrano); PubMed 22658665 (cited by Quest Diagnostics Nichols Institute San Juan Capistrano); PubMed 21520337 (cited by Quest Diagnostics Nichols Institute San Juan Capistrano).